The following is an entry in ClinVar:

ClinVar aggregate classification (germline): Likely benign (0 of 4 stars; one submission).

Conditions:
MKS1-related disorder. Also called: MKS1-related condition; MKS1-related disorders. Identifiers: MedGen CN239382.

Submission:

PreventionGenetics, part of Exact Sciences
Classification: Likely benign for MKS1-related condition. Last evaluated: 2021-10-04. Review status: no assertion criteria provided. Collection method: clinical testing. Allele origin: germline.
Comment: This variant is classified as likely benign based on ACMG/AMP sequence variant interpretation guidelines (Richards et al. 2015 PMID: 25741868, with internal and published modifications).

NM_017777.4(MKS1):c.262-82del

Gene: MKS1 (MKS transition zone complex subunit 1; minus strand). Cytogenetic location: 17q22.
Variant type: Deletion.
Coding change: c.262-82del on transcript NM_017777.4 (MANE Select); 82 bases into the intron before coding-DNA position 262, one base deleted (G; older notation c.262-82delG).
Molecular consequence: intron variant.
Genome position (GRCh38, 1-based): chr17:58,216,325, C deleted on the plus strand (G on the coding strand, the reverse complement: MKS1 is on the minus strand). VCF-style (leftmost placement, unchanged base first): chr17-58216324-TC-T. GRCh37 (hg19) VCF-style: chr17-56293685-TC-T.
Other names: c.-250-82del (NM_001321268.2); c.262-82del (NM_001330397.2, NM_001321269.2, NM_001411113.1).
Identifiers: ClinVar variation 3355196 (VCV003355196.1).